The following is an entry in ClinVar:

ClinVar aggregate classification (germline): Uncertain significance (1 of 4 stars; one submission).

Conditions:
Combined immunodeficiency due to STIM1 deficiency. Also called: IMMUNODEFICIENCY 10; STIM1 DEFICIENCY. Identifiers: Orphanet 169090, Orphanet 317430, MedGen C2748557, MONDO:0013008, OMIM 612783.
Myopathy with tubular aggregates (TAM). Also called: Tubular Aggregate Myopathy. Identifiers: Orphanet 2593, MedGen C0410207, MONDO:0008051.
Stormorken syndrome (STRMK). Also called: THROMBOCYTOPATHY, ASPLENIA, AND MIOSIS. Identifiers: Orphanet 3204, MedGen C1861451, MONDO:0008497, OMIM 185070.

Submission:

Labcorp Genetics (formerly Invitae), Labcorp
Classification: Uncertain significance for Myopathy with tubular aggregates; Combined immunodeficiency due to STIM1 deficiency; Stormorken syndrome. Last evaluated: 2020-12-15. Review status: criteria provided, single submitter. Criteria: Invitae Variant Classification Sherloc (09022015). Collection method: clinical testing. Allele origin: germline.
Comment: In summary, the available evidence is currently insufficient to determine the role of this variant in disease. Therefore, it has been classified as a Variant of Uncertain Significance. This variant has not been reported in the literature in individuals with STIM1-related conditions. This variant results in a copy number gain of the genomic region encompassing the full coding sequence of the STIM1 gene. The boundaries of this event are unknown as they extend beyond the assayed region for this gene and therefore may encompass additional genes. As the precise location of this event is unknown, it may be in tandem or it may be located elsewhere in the genome.

NC_000011.9:g.(?_3832490)_(4113028_?)dup

Genes: PGAP2 (post-GPI attachment to proteins 2; plus strand), RHOG (ras homolog family member G; minus strand), STIM1 (stromal interaction molecule 1; plus strand). Cytogenetic location: 11p15.4.
Variant type: Duplication.
Identifiers: ClinVar variation 1410770 (VCV001410770.5).